The following is an entry in ClinVar:

ClinVar aggregate classification (germline): Pathogenic. Review status: reviewed by expert panel (3 of 4 stars). 6 submissions from 6 submitters: Pathogenic (1). 5 of the submissions do not count toward it. Last evaluated 2016-09-08.

Conditions:
Hereditary cancer-predisposing syndrome. Also called: Hereditary Cancer Syndrome; Hereditary neoplastic syndrome; Neoplastic Syndromes, Hereditary; Tumor predisposition. Identifiers: Orphanet 140162, MedGen C0027672, MeSH D009386, MONDO:0015356.
Breast-ovarian cancer, familial, susceptibility to, 1 (BROVCA1). Also called: BRCA1 Hereditary Breast and Ovarian Cancer; OVARIAN CANCER, SUSCEPTIBILITY TO. Identifiers: Orphanet 145, MedGen C2676676, MONDO:0011450, OMIM 604370. Disease mechanism: loss of function.

Submissions (6):

Evidence-based Network for the Interpretation of Germline Mutant Alleles (ENIGMA)
Classification: Pathogenic for Breast-ovarian cancer, familial, susceptibility to, 1. Last evaluated: 2016-09-08. Review status: reviewed by expert panel. Criteria: ENIGMA BRCA1/2 Classification Criteria (2015). Collection method: curation. Allele origin: germline.
Comment: Variant allele predicted to encode a truncated non-functional protein.

Quest Diagnostics Nichols Institute San Juan Capistrano
Classification: Pathogenic. Last evaluated: 2025-03-11. Review status: criteria provided, single submitter. Criteria: Quest Diagnostics criteria. Collection method: clinical testing. Allele origin: unknown. Not counted in ClinVar's aggregate classification.
Comment: The BRCA1 c.3736del (p.Thr1246Profs*18) variant alters the translational reading frame of the BRCA1 mRNA and causes the premature termination of BRCA1 protein synthesis. This variant has been reported in the published literature in an individual with breast and/or ovarian cancer (PMID: 30702160 (2019)). This variant has also been identified in a worldwide screen of individuals with BRCA1/BRCA2 variants (PMID: 29446198 (2018)). This variant has not been reported in large, multi-ethnic general populations (Genome Aggregation Database). Based on the available information, this variant is classified as pathogenic.

All of Us Research Program, National Institutes of Health
Classification: Pathogenic for Breast-ovarian cancer, familial, susceptibility to, 1. Last evaluated: 2024-01-08. Review status: criteria provided, single submitter. Criteria: ACMG Guidelines, 2015. Collection method: clinical testing. Allele origin: germline. Inheritance: Autosomal dominant inheritance. Observed: 1 variant allele, 1 heterozygote. Not counted in ClinVar's aggregate classification.
Comment: This variant deletes 1 nucleotide in exon 10/23 of the BRCA1 gene, creating a frameshift and premature translation stop signal. This variant is expected to result in an absent or non-functional protein product. To our knowledge, this variant has been identified in 1 family among the CIMBA participants (PMID: 29446198). This variant has not been identified in the general population by the Genome Aggregation Database (gnomAD). Loss of BRCA1 function is a known mechanism of disease. Based on the available evidence, this variant is classified as Pathogenic.

This study involves interpretation of variants in research participants for the purpose of population health screening. Participant phenotype was not available at the time of variant classification. Additional details can be found in publication PMID: 35346344, PMCID: PMC8962531

Color Diagnostics, LLC DBA Color Health
Classification: Pathogenic for Hereditary cancer-predisposing syndrome. Last evaluated: 2023-11-03. Review status: criteria provided, single submitter. Criteria: ACMG Guidelines, 2015. Collection method: clinical testing. Allele origin: germline. Not counted in ClinVar's aggregate classification.
Comment: This variant deletes 1 nucleotide in exon 10 of the BRCA1 gene, creating a frameshift and premature translation stop signal. This variant is expected to result in an absent or non-functional protein product. To our knowledge, this variant has been identified in 1 family among the CIMBA participants (PMID: 29446198). This variant has not been identified in the general population by the Genome Aggregation Database (gnomAD). Loss of BRCA1 function is a known mechanism of disease. Based on the available evidence, this variant is classified as Pathogenic.

Consortium of Investigators of Modifiers of BRCA1/2 (CIMBA), c/o University of Cambridge
Classification: Pathogenic for Breast-ovarian cancer, familial, susceptibility to, 1. Last evaluated: 2015-10-02. Review status: criteria provided, single submitter. Criteria: CIMBA Mutation Classification guidelines May 2016. Collection method: clinical testing. Allele origin: germline. Not counted in ClinVar's aggregate classification.

Breast Cancer Information Core (BIC) (BRCA1)
Classification: Pathogenic for Breast-ovarian cancer, familial 1. Last evaluated: 2002-05-29. Review status: no assertion criteria provided. Collection method: clinical testing. Allele origin: germline. Affected: yes. Observed: 1 variant allele. Not counted in ClinVar's aggregate classification.

Literature cited by the submitters: PubMed 29446198 (cited by 3 submitters); PubMed 30702160 (cited by Quest Diagnostics Nichols Institute San Juan Capistrano).

NM_007294.4(BRCA1):c.3736del (p.Thr1246fs)

Genes: BRCA1 (BRCA1 DNA repair associated; minus strand), LOC126862571 (BRD4-independent group 4 enhancer GRCh37_chr17:41243136-41244335; plus strand). Cytogenetic location: 17q21.31.
Variant type: Deletion.
Coding change: c.3736del on transcript NM_007294.4 (MANE Select); coding-DNA position 3736, one base deleted (A; older notation c.3736delA).
Protein change: p.Thr1246fs; shifts the reading frame from threonine 1246.
Molecular consequence: frameshift variant. On other transcripts: intron variant (135).
Genome position (GRCh38, 1-based): chr17:43,091,795, T deleted on the plus strand (A on the coding strand, the reverse complement: BRCA1 is on the minus strand). VCF-style (leftmost placement, unchanged base first): chr17-43091794-GT-G. GRCh37 (hg19) VCF-style: chr17-41243811-GT-G.
Other names: 3855delA; c.3355del, p.Thr1119fs (NM_001407963.1, NM_001407959.1, NM_001407960.1); c.3592del, p.Thr1198fs (NM_001407964.1, NM_001407740.1, NM_001407741.1 and 20 more transcripts); c.3232del, p.Thr1078fs (NM_001407965.1); c.2848del, p.Thr950fs (NM_001407966.1, NM_001407967.1); c.1132del, p.Thr378fs (NM_001407968.1, NM_001407969.1); c.3595del, p.Thr1199fs (NM_007297.4, NM_001407692.1, NM_001407694.1 and 29 more transcripts); c.3736del, p.Thr1246fs (NM_007300.4, NM_001407581.1, NM_001407582.1 and 30 more transcripts); and 42 more; short protein forms T1199fs, T1246fs, T1219fs, T1220fs, T378fs, T950fs, T1078fs, T1135fs.
Identifiers: ClinVar variation 54984 (VCV000054984.7), dbSNP rs80357578, ClinGen allele CA002395.